The following is an entry in ClinVar:

NM_001267550.2(TTN):c.25335dup (p.Lys8446fs)

Gene: TTN (titin; minus strand). Cytogenetic location: 2q31.2.
Variant type: Duplication.
Coding change: c.25335dup on transcript NM_001267550.2 (MANE Select); coding-DNA position 25335, one base duplicated (C; older notation c.25335dupC).
Protein change: p.Lys8446fs; shifts the reading frame from lysine 8446.
Molecular consequence: frameshift variant. On other transcripts: intron variant (3).
Genome position (GRCh38, 1-based): chr2:178,717,539, G duplicated on the plus strand (C on the coding strand, the reverse complement: TTN is on the minus strand); the first of 2 consecutive G bases (chr2:178,717,539-178,717,540); duplicating either gives the same sequence. VCF-style (leftmost placement, unchanged base first): chr2-178717538-T-TG. GRCh37 (hg19) VCF-style: chr2-179582265-T-TG.
Other names: NM_133437.4:c.13858+20543dup; c.24384dup, p.Lys8129fs (NM_001256850.1); c.21603dup, p.Lys7202fs (NM_133378.4); c.13282+20543dup (NM_003319.4); c.13858+20543dup (NM_133437.4); c.13657+20543dup (NM_133432.3); short protein forms K7202fs, K8129fs, K8446fs.
Identifiers: ClinVar variation 4070911 (VCV004070911.1).
Genomic context (GRCh38, chr2:178,717,538, plus strand): 5'-CAGTGAAGCTGCTTTACAATGAAGAGGGTACTGTGAGTTACTCACCTGAGAGAATGAGCT[T>TG]GGCACTGGATGAAGCAGTCCCAAGAGGATTAGAAGCAGAGCAATTATACTGCCCTATGTG-3'

ClinVar aggregate classification (germline): Pathogenic (1 of 4 stars; one submission).

Conditions:
TTN-related myopathy. Identifiers: MedGen CN294812, MONDO:0100175.

Submission:

Broad Center for Mendelian Genomics, Broad Institute of MIT and Harvard
Classification: Pathogenic for TTN-related myopathy. Last evaluated: 2025-06-18. Review status: criteria provided, single submitter. Criteria: ACMG Guidelines, 2015. Collection method: curation. Allele origin: germline. Inheritance: Autosomal recessive inheritance. Study: GREGoR Consortium.
Comment: Trio genome analysis revealed that this variant was in trans with the pathogenic variant (PMID: 31660661; Variation ID: 987382). This variant was absent from large population studies. This variant is predicted to cause a frameshift, which alters the protein’s amino acid sequence beginning at position 8466 and leads to a premature termination codon 8 amino acids downstream. This alteration is then predicted to lead to a truncated or absent protein. Loss of function of the TTN gene is an established disease mechanism in autosomal recessive TTN-related myopathy. In summary, this variant meets criteria to be classified as pathogenic for autosomal recessive TTN-related myopathy. ACMG/AMP Criteria applied: PVS1, PM3, PM2_supporting (Richards 2015).